The following is an entry in ClinVar:

NM_194248.3(OTOF):c.3399C>A (p.Tyr1133Ter)

Gene: OTOF (otoferlin; minus strand). Cytogenetic location: 2p23.3.
Variant type: single nucleotide variant.
Coding change: c.3399C>A on transcript NM_194248.3 (MANE Select); coding-DNA position 3399, C replaced by A.
Protein change: p.Tyr1133Ter; replaces tyrosine 1133 with a stop codon.
Molecular consequence: nonsense.
Genome position (GRCh38, 1-based): chr2:26,474,000, G>T on the plus strand (C>A on the coding strand, the complement: OTOF is on the minus strand). VCF-style: chr2-26474000-G-T. GRCh37 (hg19) VCF-style: chr2-26696868-G-T.
Other names: c.3399C>A, p.Tyr1133Ter (NM_001287489.2); c.1158C>A, p.Tyr386Ter (NM_004802.4, NM_194323.3); c.1329C>A, p.Tyr443Ter (NM_194322.3); short protein forms Y1133*, Y386*, Y443*.
Identifiers: ClinVar variation 2683866 (VCV002683866.4), dbSNP rs1665126718, ClinGen allele CA346107037.
Genomic context (GRCh38, chr2:26,474,000, plus strand): 5'-GGTCCTCAGACTCCTCATCCAAAAGGGAAGGGCCACACAGAGCCCTCGCACCTCCACTCG[G>T]TACTTGCTGAGCACGGGCCGGATGCCCATGGGCACGGGCATGATGGGACCTCGGTCCACG-3'

ClinVar aggregate classification (germline): Pathogenic. Review status: criteria provided, multiple submitters, no conflicts (2 of 4 stars). 2 submissions from 2 submitters: Pathogenic (2). Last evaluated 2023-12-22.

Conditions:
Auditory neuropathy. Identifiers: MedGen C1852271, MONDO:0021944.

Allele frequency attached by ClinVar (database versions not stated): TOPMed below 0.00001; gnomAD 0.00001.
gnomAD v4.1: 4 of 1,612,830 alleles (0.00025%); highest among the groups gnomAD compares: Non-Finnish European, 0.00034%; no homozygotes.

Submissions (2):

WangQJ Lab, Chinese People's Liberation Army General Hospital
Classification: Pathogenic for Auditory neuropathy. Last evaluated: 2023-12-22. Review status: criteria provided, single submitter. Criteria: Submitter's publication. Collection method: research. Allele origin: germline. Affected: yes. Observed: 1 variant allele.

Labcorp Genetics (formerly Invitae), Labcorp
Classification: Pathogenic. Last evaluated: 2023-09-30. Review status: criteria provided, single submitter. Criteria: Invitae Variant Classification Sherloc (09022015). Collection method: clinical testing. Allele origin: germline.
Comment: For these reasons, this variant has been classified as Pathogenic. This sequence change creates a premature translational stop signal (p.Tyr1133*) in the OTOF gene. It is expected to result in an absent or disrupted protein product. Loss-of-function variants in OTOF are known to be pathogenic (PMID: 18381613, 19250381, 22575033). This variant is not present in population databases (gnomAD no frequency). This premature translational stop signal has been observed in individual(s) with auditory neuropathy (PMID: 26818607). This variant is also known as p.Y1133X . Algorithms developed to predict the effect of sequence changes on RNA splicing suggest that this variant may create or strengthen a splice site.

Literature cited by the submitters: PubMed 18381613 (cited by Labcorp Genetics (formerly Invitae), Labcorp); PubMed 19250381 (cited by Labcorp Genetics (formerly Invitae), Labcorp); PubMed 22575033 (cited by Labcorp Genetics (formerly Invitae), Labcorp); PubMed 26818607 (cited by Labcorp Genetics (formerly Invitae), Labcorp).